The following is an entry in ClinVar:

ClinVar aggregate classification (germline): Uncertain significance. Review status: reviewed by expert panel (3 of 4 stars). 4 submissions from 4 submitters: Uncertain significance (1). 3 of the submissions do not count toward it. Last evaluated 2024-07-17.

Conditions:
Inborn genetic diseases. Identifiers: MedGen C0950123, MeSH D030342.
Hereditary thrombocytopenia and hematological cancer predisposition syndrome associated with RUNX1. Also called: Familial thrombocytopenia with propensity to acute myelogenous leukemia; PLATELET DISORDER, ASPIRIN-LIKE; RUNX1 Familial Platelet Disorder with Associated Myeloid Malignancies; Familial Platelet Disorder with Propensity to Acute Myelogenous Leukemia. Identifiers: Orphanet 71290, MedGen C1832388, MeSH C563324, MONDO:0100083, OMIM 601399.

Allele frequency attached by ClinVar (database versions not stated): gnomAD exomes below 0.00001; ExAC 0.00001; TOPMed 0.00001; gnomAD 0.00003; ESP Exome Variant Server 0.00008.
gnomAD v4.1: 6 of 1,614,048 alleles (0.00037%); highest among the groups gnomAD compares: African/African-American, 0.0053%; no homozygotes.

Submissions (4):

ClinGen Myeloid Malignancy Variant Curation Expert Panel
Classification: Uncertain significance for Hereditary thrombocytopenia and hematological cancer predisposition syndrome associated with RUNX1. Last evaluated: 2024-07-17. Review status: reviewed by expert panel. Criteria: ClinGen MyeloMalig ACMG Specifications v2. Collection method: curation. Allele origin: germline. Inheritance: Autosomal dominant inheritance.
Comment: NM_001754.5(RUNX1):c.847C>A (p.Gln283Lys) is a missense variant which has a REVEL score < 0.50 (0.439) and SpliceAI Δ score < 0.2 (BP4). In summary, the clinical significance of this variant is uncertain. ACMG/AMP criteria applied, as specified by the Myeloid Malignancy Variant Curation Expert Panel for RUNX1: BP4.

Ambry Genetics
Classification: Uncertain significance for Inborn genetic diseases. Last evaluated: 2025-04-01. Review status: criteria provided, single submitter. Criteria: Ambry Variant Classification Scheme 2023. Collection method: clinical testing. Allele origin: germline. Not counted in ClinVar's aggregate classification.
Comment: The p.Q283K variant (also known as c.847C>A), located in coding exon 7 of the RUNX1 gene, results from a C to A substitution at nucleotide position 847. The glutamine at codon 283 is replaced by lysine, an amino acid with similar properties. This amino acid position is conserved. In addition, the in silico prediction for this alteration is inconclusive. Based on the available evidence, the clinical significance of this variant remains unclear.

GeneDx
Classification: Uncertain significance. Last evaluated: 2023-07-31. Review status: criteria provided, single submitter. Criteria: GeneDx Variant Classification Process June 2021. Collection method: clinical testing. Allele origin: germline. Affected: yes. Not counted in ClinVar's aggregate classification.
Comment: Not observed at significant frequency in large population cohorts (gnomAD); In silico analysis supports that this missense variant does not alter protein structure/function; Has not been previously published as pathogenic or benign to our knowledge

Labcorp Genetics (formerly Invitae), Labcorp
Classification: Uncertain significance for Hereditary thrombocytopenia and hematological cancer predisposition syndrome associated with RUNX1. Last evaluated: 2023-03-23. Review status: criteria provided, single submitter. Criteria: Invitae Variant Classification Sherloc (09022015). Collection method: clinical testing. Allele origin: germline. Not counted in ClinVar's aggregate classification.
Comment: ClinVar contains an entry for this variant (Variation ID: 999481). This sequence change replaces glutamine, which is neutral and polar, with lysine, which is basic and polar, at codon 283 of the RUNX1 protein (p.Gln283Lys). This variant is present in population databases (rs374341207, gnomAD 0.007%). This variant has not been reported in the literature in individuals affected with RUNX1-related conditions. Advanced modeling of protein sequence and biophysical properties (such as structural, functional, and spatial information, amino acid conservation, physicochemical variation, residue mobility, and thermodynamic stability) performed at Invitae indicates that this missense variant is not expected to disrupt RUNX1 protein function. In summary, the available evidence is currently insufficient to determine the role of this variant in disease. Therefore, it has been classified as a Variant of Uncertain Significance.

NM_001754.5(RUNX1):c.847C>A (p.Gln283Lys)

Gene: RUNX1 (RUNX family transcription factor 1; minus strand). Cytogenetic location: 21q22.12.
Variant type: single nucleotide variant.
Coding change: c.847C>A on transcript NM_001754.5 (MANE Select); coding-DNA position 847, C replaced by A.
Protein change: p.Gln283Lys; replaces glutamine 283 with lysine.
Molecular consequence: missense variant.
Genome position (GRCh38, 1-based): chr21:34,799,421, G>T on the plus strand (C>A on the coding strand, the complement: RUNX1 is on the minus strand). VCF-style: chr21-34799421-G-T. GRCh37 (hg19) VCF-style: chr21-36171718-G-T.
Other names: NM_001754.5(RUNX1):c.847C>A; p.Gln283Lys; c.847C>A (NM_001754.4); c.766C>A, p.Gln256Lys (NM_001001890.3); short protein forms Q256K, Q283K.
Identifiers: ClinVar variation 999481 (VCV000999481.12), dbSNP rs374341207, ClinGen allele CA10014281.
Genomic context (GRCh38, chr21:34,799,421, plus strand): 5'-AAATGGGCGTTGCTGGGTGCACAGAAGGAGAGGCAATGGATCCCAGGTATTGGTAGGACT[G>T]ATCGTAGGACCACGGTGGGGATGGTTGGATCTGCCTTGTATCTGAAGAGAATCAGAAAGG-3'
Protein context (NP_001745.2, residues 273-293): IQPSPPWSYD[Gln283Lys]SYQYLGSIAS